The following is an entry in ClinVar:

NM_018646.6(TRPV6):c.713C>G (p.Thr238Arg)

Gene: TRPV6 (transient receptor potential cation channel subfamily V member 6; minus strand). Cytogenetic location: 7q34.
Variant type: single nucleotide variant.
Coding change: c.713C>G on transcript NM_018646.6 (MANE Select); coding-DNA position 713, C replaced by G.
Protein change: p.Thr238Arg; replaces threonine 238 with arginine.
Molecular consequence: missense variant.
Genome position (GRCh38, 1-based): chr7:142,876,577, G>C on the plus strand (C>G on the coding strand, the complement: TRPV6 is on the minus strand). VCF-style: chr7-142876577-G-C. GRCh37 (hg19) VCF-style: chr7-142574330-G-C.
Other names: short protein forms T238R.
Identifiers: ClinVar variation 1028604 (VCV001028604.4), dbSNP rs1795077287, ClinGen allele CA369636907.

ClinVar aggregate classification (germline): Uncertain significance. Review status: criteria provided, multiple submitters, no conflicts (2 of 4 stars). 2 submissions from 2 submitters: Uncertain significance (2). Last evaluated 2021-01-04.

Conditions:
Hyperparathyroidism, transient neonatal. Identifiers: MedGen C1300287, MONDO:0032591, OMIM 618188.

Submissions (2):

Genomic Medicine Center of Excellence, King Faisal Specialist Hospital and Research Centre
Classification: Uncertain significance for Hyperparathyroidism, transient neonatal. Last evaluated: 2021-01-04. Review status: criteria provided, single submitter. Criteria: ACMG Guidelines, 2015. Collection method: clinical testing. Allele origin: germline. Affected: yes.

Baylor Genetics
Classification: Uncertain significance for Hyperparathyroidism, transient neonatal. Last evaluated: 2020-05-05. Review status: criteria provided, single submitter. Criteria: ACMG Guidelines, 2015. Collection method: clinical testing. Allele origin: unknown. Affected: yes.
Comment: This variant was determined to be of uncertain significance according to ACMG Guidelines, 2015 [PMID:25741868].